The following is an entry in ClinVar:

NM_172107.4(KCNQ2):c.768G>A (p.Gly256=)

Gene: KCNQ2 (potassium voltage-gated channel subfamily Q member 2; minus strand). Cytogenetic location: 20q13.33.
Variant type: single nucleotide variant.
Coding change: c.768G>A on transcript NM_172107.4 (MANE Select); coding-DNA position 768, G replaced by A.
Protein change: p.Gly256=; no amino-acid change (glycine 256 retained).
Molecular consequence: synonymous variant.
Genome position (GRCh38, 1-based): chr20:63,442,454, C>T on the plus strand (G>A on the coding strand, the complement: KCNQ2 is on the minus strand). VCF-style: chr20-63442454-C-T. GRCh37 (hg19) VCF-style: chr20-62073807-C-T.
Other names: c.768G>A, p.Gly256= (NM_001382235.1, NM_004518.6, NM_172106.3 and 2 more transcripts).
Identifiers: ClinVar variation 2652534 (VCV002652534.25), dbSNP rs762617583, ClinGen allele CA9958739.

ClinVar aggregate classification (germline): Likely benign. Review status: criteria provided, multiple submitters, no conflicts (2 of 4 stars). 2 submissions from 2 submitters: Likely benign (2). Last evaluated 2026-01-09.

Conditions:
Early-infantile DEE. Also called: Early infantile epileptic encephalopathy; Ohtahara syndrome; Early infantile epileptic encephalopathy with suppression bursts. Identifiers: Orphanet 1934, MedGen C0393706, MONDO:0800491.

Allele frequency attached by ClinVar (database versions not stated): gnomAD exomes below 0.00001; ExAC 0.00001.
gnomAD v4.1: 2 of 1,613,814 alleles (0.00012%); highest among the groups gnomAD compares: East Asian, 0.0022%; no homozygotes.

Submissions (2):

Labcorp Genetics (formerly Invitae), Labcorp
Classification: Likely benign for Early-infantile DEE. Last evaluated: 2026-01-09. Review status: criteria provided, single submitter. Criteria: Invitae Variant Classification Sherloc (09022015). Collection method: clinical testing. Allele origin: germline.

CeGaT Center for Human Genetics Tuebingen
Classification: Likely benign. Last evaluated: 2023-01-01. Review status: criteria provided, single submitter. Criteria: CeGaT Center For Human Genetics Tuebingen Variant Classification Criteria Version 2. Collection method: clinical testing. Allele origin: germline. Affected: yes. Observed: 1 variant allele.
Comment: KCNQ2: BP4, BP7